The following is an entry in ClinVar:

NM_005477.3(HCN4):c.1415C>T (p.Ala472Val)

Gene: HCN4 (hyperpolarization activated cyclic nucleotide gated potassium channel 4; minus strand). Cytogenetic location: 15q24.1.
Variant type: single nucleotide variant.
Coding change: c.1415C>T on transcript NM_005477.3 (MANE Select); coding-DNA position 1415, C replaced by T.
Protein change: p.Ala472Val; replaces alanine 472 with valine.
Molecular consequence: missense variant.
Genome position (GRCh38, 1-based): chr15:73,329,748, G>A on the plus strand (C>T on the coding strand, the complement: HCN4 is on the minus strand). VCF-style: chr15-73329748-G-A. GRCh37 (hg19) VCF-style: chr15-73622089-G-A.
Other names: short protein forms A472V.
Identifiers: ClinVar variation 3703236 (VCV003703236.2).

ClinVar aggregate classification (germline): Uncertain significance (1 of 4 stars; one submission).

Conditions:
Brugada syndrome 8 (BRGDA8). Identifiers: Orphanet 130, MedGen C2751083, MONDO:0013148, OMIM 613123.

gnomAD v4.1: 1 of 1,614,150 alleles (0.000062%); highest among the groups gnomAD compares: Non-Finnish European, 0.000085%; no homozygotes.

Submission:

Labcorp Genetics (formerly Invitae), Labcorp
Classification: Uncertain significance for Brugada syndrome 8. Last evaluated: 2024-08-20. Review status: criteria provided, single submitter. Criteria: Invitae Variant Classification Sherloc (09022015). Collection method: clinical testing. Allele origin: germline.
Comment: This sequence change replaces alanine, which is neutral and non-polar, with valine, which is neutral and non-polar, at codon 472 of the HCN4 protein (p.Ala472Val). This variant is not present in population databases (gnomAD no frequency). This variant has not been reported in the literature in individuals affected with HCN4-related conditions. Invitae Evidence Modeling of protein sequence and biophysical properties (such as structural, functional, and spatial information, amino acid conservation, physicochemical variation, residue mobility, and thermodynamic stability) indicates that this missense variant is expected to disrupt HCN4 protein function with a positive predictive value of 80%. In summary, the available evidence is currently insufficient to determine the role of this variant in disease. Therefore, it has been classified as a Variant of Uncertain Significance.